The following is an entry in ClinVar:

ClinVar aggregate classification (germline): Uncertain significance. Review status: criteria provided, multiple submitters, no conflicts (2 of 4 stars). 3 submissions from 3 submitters: Uncertain significance (3). Last evaluated 2022-07-23.

Conditions:
Parkinsonian-pyramidal syndrome. Also called: PARKINSON DISEASE 15, AUTOSOMAL RECESSIVE; PARKINSON DISEASE 15, AUTOSOMAL RECESSIVE EARLY-ONSET; PALLIDOPYRAMIDAL SYNDROME. Identifiers: Orphanet 171695, MedGen C1850100, MONDO:0009830, OMIM 260300.
Inborn genetic diseases. Identifiers: MedGen C0950123, MeSH D030342.

Allele frequency attached by ClinVar (database versions not stated): TOPMed 0.00002; gnomAD 0.00003; ExAC 0.00005; gnomAD exomes 0.00005.
gnomAD v4.1: 61 of 1,614,072 alleles (0.0038%); highest among the groups gnomAD compares: Middle Eastern, 0.033%; no homozygotes.

Submissions (3):

Labcorp Genetics (formerly Invitae), Labcorp
Classification: Uncertain significance for Parkinsonian-pyramidal syndrome. Last evaluated: 2022-07-23. Review status: criteria provided, single submitter. Criteria: Invitae Variant Classification Sherloc (09022015). Collection method: clinical testing. Allele origin: germline.
Comment: This sequence change replaces arginine, which is basic and polar, with cysteine, which is neutral and slightly polar, at codon 438 of the FBXO7 protein (p.Arg438Cys). This variant is present in population databases (rs757568839, gnomAD 0.05%). This variant has not been reported in the literature in individuals affected with FBXO7-related conditions. ClinVar contains an entry for this variant (Variation ID: 1182452). Algorithms developed to predict the effect of missense changes on protein structure and function (SIFT, PolyPhen-2, Align-GVGD) all suggest that this variant is likely to be tolerated. In summary, the available evidence is currently insufficient to determine the role of this variant in disease. Therefore, it has been classified as a Variant of Uncertain Significance.

Ambry Genetics
Classification: Uncertain significance for Inborn genetic diseases. Last evaluated: 2021-12-03. Review status: criteria provided, single submitter. Criteria: Ambry Variant Classification Scheme 2023. Collection method: clinical testing. Allele origin: germline.

GeneDx
Classification: Uncertain significance. Last evaluated: 2021-01-11. Review status: criteria provided, single submitter. Criteria: GeneDx Variant Classification Process June 2021. Collection method: clinical testing. Allele origin: germline. Affected: yes.
Comment: In silico analysis supports that this missense variant does not alter protein structure/function; Has not been previously published as pathogenic or benign to our knowledge

NM_012179.4(FBXO7):c.1312C>T (p.Arg438Cys)

Gene: FBXO7 (F-box protein 7; plus strand). Cytogenetic location: 22q12.3.
Variant type: single nucleotide variant.
Coding change: c.1312C>T on transcript NM_012179.4 (MANE Select); coding-DNA position 1312, C replaced by T.
Protein change: p.Arg438Cys; replaces arginine 438 with cysteine.
Molecular consequence: missense variant.
Genome position (GRCh38, 1-based): chr22:32,498,273, C>T. VCF-style: chr22-32498273-C-T. GRCh37 (hg19) VCF-style: chr22-32894260-C-T.
Other names: c.1075C>T, p.Arg359Cys (NM_001033024.2); c.970C>T, p.Arg324Cys (NM_001257990.2); short protein forms R324C, R359C, R438C.
Identifiers: ClinVar variation 1182452 (VCV001182452.8), dbSNP rs757568839, ClinGen allele CA10201721.